The following is an entry in ClinVar:

ClinVar aggregate classification (germline): Uncertain significance. Review status: criteria provided, multiple submitters, no conflicts (2 of 4 stars). 2 submissions from 2 submitters: Uncertain significance (2). Last evaluated 2025-03-25.

Conditions:
Cardiovascular phenotype. Identifiers: MedGen CN230736.

Allele frequency attached by ClinVar (database versions not stated): gnomAD exomes below 0.00001.
gnomAD v4.1: 6 of 1,602,848 alleles (0.00037%); highest among the groups gnomAD compares: Non-Finnish European, 0.00051%; no homozygotes.

Submissions (2):

Ambry Genetics
Classification: Uncertain significance for Cardiovascular phenotype. Last evaluated: 2025-03-25. Review status: criteria provided, single submitter. Criteria: Ambry Variant Classification Scheme 2023. Collection method: clinical testing. Allele origin: germline.
Comment: The p.T1175R variant (also known as c.3524C>G), located in coding exon 6 of the ALPK3 gene, results from a C to G substitution at nucleotide position 3524. The threonine at codon 1175 is replaced by arginine, an amino acid with similar properties. This amino acid position is conserved. In addition, this alteration is predicted to be tolerated by in silico analysis. Based on the available evidence, the clinical significance of this variant remains unclear.

Labcorp Genetics (formerly Invitae), Labcorp
Classification: Uncertain significance. Last evaluated: 2023-12-04. Review status: criteria provided, single submitter. Criteria: Invitae Variant Classification Sherloc (09022015). Collection method: clinical testing. Allele origin: germline.
Comment: This sequence change replaces threonine, which is neutral and polar, with arginine, which is basic and polar, at codon 1175 of the ALPK3 protein (p.Thr1175Arg). This variant is not present in population databases (gnomAD no frequency). This variant has not been reported in the literature in individuals affected with ALPK3-related conditions. Advanced modeling of protein sequence and biophysical properties (such as structural, functional, and spatial information, amino acid conservation, physicochemical variation, residue mobility, and thermodynamic stability) has been performed at Invitae for this missense variant, however the output from this modeling did not meet the statistical confidence thresholds required to predict the impact of this variant on ALPK3 protein function. In summary, the available evidence is currently insufficient to determine the role of this variant in disease. Therefore, it has been classified as a Variant of Uncertain Significance.

NM_020778.5(ALPK3):c.2918C>G (p.Thr973Arg)

Gene: ALPK3 (alpha kinase 3; plus strand). Cytogenetic location: 15q25.3.
Variant type: single nucleotide variant.
Coding change: c.2918C>G on transcript NM_020778.5 (MANE Select); coding-DNA position 2918, C replaced by G.
Protein change: p.Thr973Arg; replaces threonine 973 with arginine.
Molecular consequence: missense variant.
Genome position (GRCh38, 1-based): chr15:84,857,656, C>G. VCF-style: chr15-84857656-C-G. GRCh37 (hg19) VCF-style: chr15-85400887-C-G.
Other names: c.3524C>G (NM_020778.4); short protein forms T973R.
Identifiers: ClinVar variation 2780391 (VCV002780391.4), dbSNP rs2505720974, ClinGen allele CA393359243.